The following is an entry in ClinVar:

ClinVar aggregate classification (germline): Pathogenic (1 of 4 stars; one submission).

Submission:

Labcorp Genetics (formerly Invitae), Labcorp
Classification: Pathogenic. Last evaluated: 2022-12-13. Review status: criteria provided, single submitter. Criteria: Invitae Variant Classification Sherloc (09022015). Collection method: clinical testing. Allele origin: unknown.
Comment: For these reasons, this variant has been classified as Pathogenic. This variant disrupts a region of the ELP1 protein in which other variant(s) (p.Arg696Pro) have been determined to be pathogenic (PMID: 11179008, 11179021, 12116234). This suggests that this is a clinically significant region of the protein, and that variants that disrupt it are likely to be disease-causing. This variant has not been reported in the literature in individuals affected with ELP1-related conditions. This variant is a gross deletion of the genomic region encompassing exon(s) 17-37 of the ELP1 gene, which includes the termination codon. This deletion extends beyond the assayed region for this gene and therefore may encompass additional genes. While this deletion is not anticipated to lead to nonsense mediated decay, it is expected to alter mRNA translation or result in a truncated protein product.

Literature cited by the submitters: PubMed 11179008; PubMed 11179021; PubMed 12116234.

NC_000009.11:g.(?_111631395)_(111663981_?)del

Gene: ELP1 (elongator acetyltransferase complex subunit 1; minus strand). Cytogenetic location: 9q31.3.
Variant type: Deletion.
Identifiers: ClinVar variation 3245321 (VCV003245321.1).